The following is an entry in ClinVar:

GRCh37/hg19 Xp21.1(chrX:32787270-32883712)x0

Gene: DMD (dystrophin; minus strand). Cytogenetic location: Xp21.1.
Variant type: copy number loss.
Change: copy number 0 of chrX:32,787,270-32,883,712 (96.4 kb, GRCh37 coordinates, 1-based), cytogenetic band Xp21.1.
Identifiers: ClinVar variation 4683029 (VCV004683029.1).

ClinVar aggregate classification (germline): Pathogenic (1 of 4 stars; one submission).

Submission:

Quest Diagnostics Nichols Institute San Juan Capistrano
Classification: Pathogenic. Last evaluated: 2025-04-14. Review status: criteria provided, single submitter. Criteria: ACMG/ClinGen CNV Guidelines, 2019. Collection method: clinical testing. Allele origin: unknown.
Comment: This copy number loss of Xp21.1 appears to involve multiple exons (exons 3-7; NM_004006.3) of DMD (OMIM 300377). Intragenic deletions and duplications, as well as pathogenic sequence variants of DMD, are associated with X-linked recessive Duchenne muscular dystrophy (DMD; OMIM 310200). In-frame variants of DMD are predicted to result in Becker muscular dystrophy (BMD; OMIM 300376). Carrier females of pathogenic alterations of the DMD gene are often not affected, but there is a proportion of carrier females that are manifesting carriers (Ishizaki 2018). Sequence variants in DMD have also been associated with dilated cardiomyopathy 3B (OMIM 302045). Based on current medical literature and gene content, this copy number variant (CNV) is interpreted as pathogenic. References: Ishizaki et al., Neuromuscul Disord. 2018 Jul;28(7):572-581. PMID: 29801751.